The following is an entry in ClinVar:

ClinVar aggregate classification (germline): Uncertain significance (1 of 4 stars; one submission).

Conditions:
Baraitser-Winter syndrome 1 (BRWS1). Also called: BARAITSER-WINTER SYNDROME 1, ATYPICAL; PACHYGYRIA, MENTAL RETARDATION, EPILEPSY, AND CHARACTERISTIC FACIES; MENTAL RETARDATION WITH EPILEPSY AND CHARACTERISTIC FACIES; Cerebrofrontofacial syndrome. Identifiers: Orphanet 2649, Orphanet 2995, MedGen C1855722, MONDO:0009470, OMIM 243310.

Submission:

Labcorp Genetics (formerly Invitae), Labcorp
Classification: Uncertain significance for Baraitser-Winter syndrome 1. Last evaluated: 2022-08-29. Review status: criteria provided, single submitter. Criteria: Invitae Variant Classification Sherloc (09022015). Collection method: clinical testing. Allele origin: germline.
Comment: In summary, the available evidence is currently insufficient to determine the role of this variant in disease. Therefore, it has been classified as a Variant of Uncertain Significance. Algorithms developed to predict the effect of missense changes on protein structure and function are either unavailable or do not agree on the potential impact of this missense change (SIFT: "Tolerated"; PolyPhen-2: "Probably Damaging"; Align-GVGD: "Class C0"). This variant has not been reported in the literature in individuals affected with ACTB-related conditions. This variant is not present in population databases (gnomAD no frequency). This sequence change replaces aspartic acid, which is acidic and polar, with glutamic acid, which is acidic and polar, at codon 292 of the ACTB protein (p.Asp292Glu).

NM_001101.5(ACTB):c.876C>A (p.Asp292Glu)

Gene: ACTB (actin beta; minus strand). Cytogenetic location: 7p22.1.
Variant type: single nucleotide variant.
Coding change: c.876C>A on transcript NM_001101.5 (MANE Select); coding-DNA position 876, C replaced by A.
Protein change: p.Asp292Glu; replaces aspartic acid 292 with glutamic acid.
Molecular consequence: missense variant.
Genome position (GRCh38, 1-based): chr7:5,528,112, G>T on the plus strand (C>A on the coding strand, the complement: ACTB is on the minus strand). VCF-style: chr7-5528112-G-T. GRCh37 (hg19) VCF-style: chr7-5567743-G-T.
Other names: short protein forms D292E.
Identifiers: ClinVar variation 1718305 (VCV001718305.5), dbSNP rs766880763, ClinGen allele CA366700308.
Genomic context (GRCh38, chr7:5,528,112, plus strand): 5'-CCTGTCGGCAATGCCAGGGTACATGGTGGTGCCGCCAGACAGCACTGTGTTGGCGTACAG[G>T]TCTTTGCGGATGTCCACGTCACACTTCATGATGGAGTTGAAGGTAGTTTCGTGGATGCCA-3'
Protein context (NP_001092.1, residues 282-302): IMKCDVDIRK[Asp292Glu]LYANTVLSGG